The following is an entry in ClinVar:

NM_006648.4(WNK2):c.2620C>T (p.Arg874Trp)

Gene: WNK2 (WNK lysine deficient protein kinase 2; plus strand). Cytogenetic location: 9q22.31.
Variant type: single nucleotide variant.
Coding change: c.2620C>T on transcript NM_006648.4 (MANE Select); coding-DNA position 2620, C replaced by T.
Protein change: p.Arg874Trp; replaces arginine 874 with tryptophan.
Molecular consequence: missense variant.
Genome position (GRCh38, 1-based): chr9:93,259,168, C>T. VCF-style: chr9-93259168-C-T. GRCh37 (hg19) VCF-style: chr9-96021450-C-T.
Other names: c.2620C>T, p.Arg874Trp (NM_001282394.3); short protein forms R874W.
Identifiers: ClinVar variation 3982022 (VCV003982022.1).

ClinVar aggregate classification (germline): Uncertain significance (1 of 4 stars; one submission).

gnomAD v4.1: 1 of 1,612,552 alleles (0.000062%); highest among the groups gnomAD compares: Non-Finnish European, 0.000085%; no homozygotes.

Submission:

Ambry Genetics
Classification: Uncertain significance. Last evaluated: 2025-05-10. Review status: criteria provided, single submitter. Criteria: Ambry Variant Classification Scheme 2023. Collection method: clinical testing. Allele origin: germline.
Comment: The p.R874W variant (also known as c.2620C>T), located in coding exon 11 of the WNK2 gene, results from a C to T substitution at nucleotide position 2620. The arginine at codon 874 is replaced by tryptophan, an amino acid with dissimilar properties. This amino acid position is conserved. In addition, this alteration is predicted to be tolerated by in silico analysis. Based on the available evidence, the clinical significance of this variant remains unclear.